The following is an entry in ClinVar:

NM_001042492.3(NF1):c.644G>A (p.Ser215Asn)

Gene: NF1 (neurofibromin 1; plus strand). Cytogenetic location: 17q11.2.
Variant type: single nucleotide variant.
Coding change: c.644G>A on transcript NM_001042492.3 (MANE Select); coding-DNA position 644, G replaced by A.
Protein change: p.Ser215Asn; replaces serine 215 with asparagine.
Molecular consequence: missense variant.
Genome position (GRCh38, 1-based): chr17:31,181,479, G>A. VCF-style: chr17-31181479-G-A. GRCh37 (hg19) VCF-style: chr17-29508497-G-A.
Other names: c.644G>A, p.Ser215Asn (NM_000267.4, NM_001128147.3); short protein forms S215N.
Identifiers: ClinVar variation 1063387 (VCV001063387.6), dbSNP rs2143774620, ClinGen allele CA398989455.

ClinVar aggregate classification (germline): Uncertain significance. Review status: criteria provided, multiple submitters, no conflicts (2 of 4 stars). 2 submissions from 2 submitters: Uncertain significance (2). Last evaluated 2025-03-31.

Conditions:
Cardiovascular phenotype. Identifiers: MedGen CN230736.
Hereditary cancer-predisposing syndrome. Also called: Tumor predisposition; Neoplastic Syndromes, Hereditary; Hereditary Cancer Syndrome; Hereditary neoplastic syndrome. Identifiers: Orphanet 140162, MedGen C0027672, MeSH D009386, MONDO:0015356.
Neurofibromatosis, type 1 (NF1). Also called: NEUROFIBROMATOSIS, TYPE I, SOMATIC; Neurofibromatosis, type I; VON RECKLINGHAUSEN DISEASE; Peripheral type neurofibromatosis. Identifiers: Orphanet 636, MedGen C0027831, MONDO:0018975, OMIM 162200. Disease mechanism: loss of function.

Allele frequency attached by ClinVar (database versions not stated): gnomAD exomes below 0.00001.
gnomAD v4.1: 1 of 1,613,436 alleles (0.000062%); highest among the groups gnomAD compares: Non-Finnish European, 0.000085%; no homozygotes.

Submissions (2):

Ambry Genetics
Classification: Uncertain significance for Cardiovascular phenotype; Hereditary cancer-predisposing syndrome. Last evaluated: 2025-03-31. Review status: criteria provided, single submitter. Criteria: Ambry Variant Classification Scheme 2023. Collection method: clinical testing. Allele origin: germline.
Comment: The p.S215N variant (also known as c.644G>A), located in coding exon 6 of the NF1 gene, results from a G to A substitution at nucleotide position 644. The serine at codon 215 is replaced by asparagine, an amino acid with highly similar properties. This amino acid position is highly conserved in available vertebrate species. In addition, the in silico prediction for this alteration is inconclusive. Based on the available evidence, the clinical significance of this variant remains unclear.

Labcorp Genetics (formerly Invitae), Labcorp
Classification: Uncertain significance for Neurofibromatosis, type 1. Last evaluated: 2020-10-08. Review status: criteria provided, single submitter. Criteria: Invitae Variant Classification Sherloc (09022015). Collection method: clinical testing. Allele origin: germline.
Comment: This sequence change replaces serine with asparagine at codon 215 of the NF1 protein (p.Ser215Asn). The serine residue is highly conserved and there is a small physicochemical difference between serine and asparagine. This variant is not present in population databases (ExAC no frequency). This variant has not been reported in the literature in individuals with NF1-related conditions. Algorithms developed to predict the effect of missense changes on protein structure and function (SIFT, PolyPhen-2, Align-GVGD) all suggest that this variant is likely to be tolerated, but these predictions have not been confirmed by published functional studies and their clinical significance is uncertain. In summary, the available evidence is currently insufficient to determine the role of this variant in disease. Therefore, it has been classified as a Variant of Uncertain Significance.